The following is an entry in ClinVar:

ClinVar aggregate classification (germline): Likely benign (1 of 4 stars; one submission).

Allele frequency attached by ClinVar (database versions not stated): gnomAD 0.00001; TOPMed 0.00001 and below 0.00001.
gnomAD v4.1: 1 of 1,064,892 alleles (0.000094%); highest among the groups gnomAD compares: Non-Finnish European, 0.00011%; no homozygotes.

Submission:

GeneDx
Classification: Likely benign. Last evaluated: 2016-05-02. Review status: criteria provided, single submitter. Criteria: GeneDx Variant Classification (06012015). Collection method: clinical testing. Allele origin: germline. Affected: yes.
Comment: This variant is considered likely benign or benign based on one or more of the following criteria: it is a conservative change, it occurs at a poorly conserved position in the protein, it is predicted to be benign by multiple in silico algorithms, and/or has population frequency not consistent with disease.

NM_000455.5(STK11):c.*18C>G

Gene: STK11 (serine/threonine kinase 11; plus strand). Cytogenetic location: 19p13.3.
Variant type: single nucleotide variant.
Coding change: c.*18C>G on transcript NM_000455.5 (MANE Select); 18 bases downstream of the stop codon, C replaced by G.
Molecular consequence: 3 prime UTR variant.
Genome position (GRCh38, 1-based): chr19:1,227,594, C>G. VCF-style: chr19-1227594-C-G. GRCh37 (hg19) VCF-style: chr19-1227593-C-G.
Identifiers: ClinVar variation 385880 (VCV000385880.2), dbSNP rs1057522352, ClinGen allele CA16608860.